The following is an entry in ClinVar:

NM_000416.3(IFNGR1):c.1034A>G (p.His345Arg)

Gene: IFNGR1 (interferon gamma receptor 1; minus strand). Cytogenetic location: 6q23.3.
Variant type: single nucleotide variant.
Coding change: c.1034A>G on transcript NM_000416.3 (MANE Select); coding-DNA position 1034, A replaced by G.
Protein change: p.His345Arg; replaces histidine 345 with arginine.
Molecular consequence: missense variant.
Genome position (GRCh38, 1-based): chr6:137,198,467, T>C on the plus strand (A>G on the coding strand, the complement: IFNGR1 is on the minus strand). VCF-style: chr6-137198467-T-C. GRCh37 (hg19) VCF-style: chr6-137519604-T-C.
Other names: c.1004A>G, p.His335Arg (NM_001363526.1); c.911A>G, p.His304Arg (NM_001363527.1); short protein forms H345R, H304R, H335R.
Identifiers: ClinVar variation 111208 (VCV000111208.14), dbSNP rs121913186, ClinGen allele CA230500.
Genomic context (GRCh38, chr6:137,198,467, plus strand): 5'-ACGTCAGGAATATTTTCTTCAGTAGTCACCACTTCTGTTATACTAGAAAGTTCTTCTGTA[T>C]GTTCCACTTTTCCTGGATTGTCTTCGGTATGCATGCCTGGAACTGTTGCTGGAGACAACG-3'
Protein context (NP_000407.1, residues 335-355): HTEDNPGKVE[His345Arg]TEELSSITEV

ClinVar aggregate classification (germline): Uncertain significance. Review status: criteria provided, multiple submitters, no conflicts (2 of 4 stars). 3 submissions from 3 submitters: Uncertain significance (2). 1 of the submissions does not count toward it. Last evaluated 2025-07-25.

Conditions:
Disseminated atypical mycobacterial infection. Identifiers: MedGen C0694566.
Immunodeficiency 27A (IMD27A). Also called: IMMUNODEFICIENCY 27A, MYCOBACTERIOSIS, AUTOSOMAL RECESSIVE; IFNGR1 DEFICIENCY, AUTOSOMAL RECESSIVE. Identifiers: Orphanet 319569, Orphanet 99898, MedGen C4011949, MONDO:0008856, OMIM 209950.

Allele frequency attached by ClinVar (database versions not stated): ExAC 0.00002; gnomAD exomes 0.00002 and 0.00004; TOPMed 0.00005; gnomAD 0.00007; ESP Exome Variant Server 0.00008.
gnomAD v4.1: 74 of 1,614,220 alleles (0.0046%); highest among the groups gnomAD compares: African/African-American, 0.013%; no homozygotes.

Submissions (3):

Labcorp Genetics (formerly Invitae), Labcorp
Classification: Uncertain significance for Disseminated atypical mycobacterial infection. Last evaluated: 2025-07-25. Review status: criteria provided, single submitter. Criteria: Invitae Variant Classification Sherloc (09022015). Collection method: clinical testing. Allele origin: germline.
Comment: This sequence change replaces histidine, which is basic and polar, with arginine, which is basic and polar, at codon 345 of the IFNGR1 protein (p.His345Arg). This variant is present in population databases (rs121913186, gnomAD 0.02%). This variant has not been reported in the literature in individuals affected with IFNGR1-related conditions. ClinVar contains an entry for this variant (Variation ID: 111208). Invitae Evidence Modeling of protein sequence and biophysical properties (such as structural, functional, and spatial information, amino acid conservation, physicochemical variation, residue mobility, and thermodynamic stability) indicates that this missense variant is not expected to disrupt IFNGR1 protein function with a negative predictive value of 80%. In summary, the available evidence is currently insufficient to determine the role of this variant in disease. Therefore, it has been classified as a Variant of Uncertain Significance.

Illumina Laboratory Services, Illumina
Classification: Uncertain significance for Immunodeficiency 27A. Last evaluated: 2017-04-28. Review status: criteria provided, single submitter. Criteria: ICSL Variant Classification Criteria 13 December 2019. Collection method: clinical testing. Allele origin: germline.
Comment: This variant was observed as part of a predisposition screen in an ostensibly healthy population. A literature search was performed for the gene, cDNA change, and amino acid change (where applicable). Publications were found based on this search. However, the evidence from the literature, in combination with allele frequency data from public databases where available, was not sufficient to rule this variant in or out of causing disease. Therefore, this variant is classified as a variant of unknown significance.

Human Evolutionary Genetics, Institut Pasteur
No classification provided. Review status: no classification provided. Collection method: not provided. Allele origin: not provided. Not counted in ClinVar's aggregate classification.

Literature cited by the submitters: PubMed 21448974 (cited by Illumina Laboratory Services, Illumina).